The following is an entry in ClinVar:

ClinVar aggregate classification (germline): Uncertain significance (1 of 4 stars; one submission).

gnomAD v4.1: 8 of 1,604,800 alleles (0.0005%); highest among the groups gnomAD compares: Non-Finnish European, 0.0006%; no homozygotes.

Submission:

GeneDx
Classification: Uncertain significance. Last evaluated: 2024-09-26. Review status: criteria provided, single submitter. Criteria: GeneDx Variant Classification Process June 2021. Collection method: clinical testing. Allele origin: germline. Affected: yes.
Comment: Not observed at significant frequency in large population cohorts (gnomAD); In silico analysis supports that this missense variant has a deleterious effect on protein structure/function; Has not been previously published as pathogenic or benign to our knowledge

NM_005861.4(STUB1):c.674G>A (p.Arg225Gln)

Genes: STUB1 (STIP1 homology and U-box containing protein 1; plus strand), JMJD8 (jumonji domain containing 8; minus strand). Cytogenetic location: 16p13.3.
Variant type: single nucleotide variant.
Coding change: c.674G>A on transcript NM_005861.4 (MANE Select); coding-DNA position 674, G replaced by A.
Protein change: p.Arg225Gln; replaces arginine 225 with glutamine.
Molecular consequence: missense variant. On other transcripts: 3 prime UTR variant (5), non-coding transcript variant (3).
Genome position (GRCh38, 1-based): chr16:682,169, G>A. VCF-style: chr16-682169-G-A. GRCh37 (hg19) VCF-style: chr16-732169-G-A.
Other names: c.458G>A, p.Arg153Gln (NM_001293197.2); c.*625C>T (NM_001005920.4, NM_001323919.3, NM_001323920.3); c.*659C>T (NM_001323918.3, NM_001323922.3); short protein forms R153Q, R225Q.
Identifiers: ClinVar variation 3774948 (VCV003774948.1).